The following is an entry in ClinVar:

NM_006231.4(POLE):c.4552-1G>C

Gene: POLE (DNA polymerase epsilon, catalytic subunit; minus strand). Cytogenetic location: 12q24.33.
Variant type: single nucleotide variant.
Coding change: c.4552-1G>C on transcript NM_006231.4 (MANE Select); the canonical splice acceptor site of the intron before coding-DNA position 4552, G replaced by C.
Molecular consequence: splice acceptor variant.
Genome position (GRCh38, 1-based): chr12:132,642,997, C>G on the plus strand (G>C on the coding strand, the complement: POLE is on the minus strand). VCF-style: chr12-132642997-C-G. GRCh37 (hg19) VCF-style: chr12-133219583-C-G.
Identifiers: ClinVar variation 4727190 (VCV004727190.1).

ClinVar aggregate classification (germline): Likely pathogenic (1 of 4 stars; one submission).

Submission:

Labcorp Genetics (formerly Invitae), Labcorp
Classification: Likely pathogenic. Last evaluated: 2025-09-15. Review status: criteria provided, single submitter. Criteria: Invitae Variant Classification Sherloc (09022015). Collection method: clinical testing. Allele origin: germline.
Comment: This sequence change affects an acceptor splice site in intron 35 of the POLE gene. It is expected to disrupt RNA splicing. Variants that disrupt the donor or acceptor splice site typically lead to a loss of protein function (PMID: 16199547), and loss-of-function variants in POLE are known to be pathogenic (PMID: 23230001, 25948378, 30503519). This variant is not present in population databases (gnomAD no frequency). This variant has not been reported in the literature in individuals affected with POLE-related conditions. Algorithms developed to predict the effect of sequence changes on RNA splicing suggest that this variant may disrupt the consensus splice site. In summary, the currently available evidence indicates that the variant is pathogenic, but additional data are needed to prove that conclusively. Therefore, this variant has been classified as Likely Pathogenic.

Literature cited by the submitters: PubMed 16199547; PubMed 23230001; PubMed 25948378; PubMed 30503519.